The following is an entry in ClinVar:

ClinVar aggregate classification (germline): Uncertain significance (1 of 4 stars; one submission).

Conditions:
Familial temporal lobe epilepsy 7. Identifiers: Orphanet 101046, MedGen C4225327, MONDO:0014639, OMIM 616436.
Norman-Roberts syndrome (LIS2). Also called: Lissencephaly 2 (Norman-Roberts type). Identifiers: Orphanet 89844, MedGen C0796089, MONDO:0009760, OMIM 257320.

gnomAD v4.1: 1 of 1,590,538 alleles (0.000063%); highest among the groups gnomAD compares: Admixed American, 0.0017%; no homozygotes.

Submission:

Labcorp Genetics (formerly Invitae), Labcorp
Classification: Uncertain significance for Familial temporal lobe epilepsy 7; Norman-Roberts syndrome. Last evaluated: 2024-04-10. Review status: criteria provided, single submitter. Criteria: Invitae Variant Classification Sherloc (09022015). Collection method: clinical testing. Allele origin: germline.
Comment: This sequence change replaces alanine, which is neutral and non-polar, with glycine, which is neutral and non-polar, at codon 14 of the RELN protein (p.Ala14Gly). This variant is not present in population databases (gnomAD no frequency). This variant has not been reported in the literature in individuals affected with RELN-related conditions. An algorithm developed to predict the effect of missense changes on protein structure and function (PolyPhen-2) suggests that this variant is likely to be tolerated. In summary, the available evidence is currently insufficient to determine the role of this variant in disease. Therefore, it has been classified as a Variant of Uncertain Significance.

NM_005045.4(RELN):c.41C>G (p.Ala14Gly)

Gene: RELN (reelin; minus strand). Cytogenetic location: 7q22.1.
Variant type: single nucleotide variant.
Coding change: c.41C>G on transcript NM_005045.4 (MANE Select); coding-DNA position 41, C replaced by G.
Protein change: p.Ala14Gly; replaces alanine 14 with glycine.
Molecular consequence: missense variant.
Genome position (GRCh38, 1-based): chr7:103,989,316, G>C on the plus strand (C>G on the coding strand, the complement: RELN is on the minus strand). VCF-style: chr7-103989316-G-C. GRCh37 (hg19) VCF-style: chr7-103629763-G-C.
Other names: c.41C>G, p.Ala14Gly (NM_173054.3); short protein forms A14G.
Identifiers: ClinVar variation 3763339 (VCV003763339.2).
Genomic context (GRCh38, chr7:103,989,316, plus strand): 5'-GAAAAGCGGGGGTAATAGCCAGCCGCCGCGCGCGCCCTCAGCGTCGCCCCCAGCAACAGC[G>C]CTAGGAGGAAAGTCTGCCGGGCCCAGCCACTGCGCTCCATGCCGCCGCCGCCGCCGCCGC-3'
Protein context (NP_005036.2, residues 4-24): SGWARQTFLL[Ala14Gly]LLLGATLRAR